The following is an entry in ClinVar:

NM_000387.6(SLC25A20):c.541C>T (p.Pro181Ser)

Gene: SLC25A20 (solute carrier family 25 member 20; minus strand). Cytogenetic location: 3p21.31.
Variant type: single nucleotide variant.
Coding change: c.541C>T on transcript NM_000387.6 (MANE Select); coding-DNA position 541, C replaced by T.
Protein change: p.Pro181Ser; replaces proline 181 with serine.
Molecular consequence: missense variant.
Genome position (GRCh38, 1-based): chr3:48,859,622, G>A on the plus strand (C>T on the coding strand, the complement: SLC25A20 is on the minus strand). VCF-style: chr3-48859622-G-A. GRCh37 (hg19) VCF-style: chr3-48897055-G-A.
Other names: short protein forms P181S.
Identifiers: ClinVar variation 3624330 (VCV003624330.2).

ClinVar aggregate classification (germline): Uncertain significance (1 of 4 stars; one submission).

Conditions:
Carnitine acylcarnitine translocase deficiency (CACTD). Identifiers: Orphanet 159, MedGen C0342791, MONDO:0008918, OMIM 212138.

Submission:

Labcorp Genetics (formerly Invitae), Labcorp
Classification: Uncertain significance for Carnitine acylcarnitine translocase deficiency. Last evaluated: 2024-12-04. Review status: criteria provided, single submitter. Criteria: Invitae Variant Classification Sherloc (09022015). Collection method: clinical testing. Allele origin: germline.
Comment: This sequence change replaces proline, which is neutral and non-polar, with serine, which is neutral and polar, at codon 181 of the SLC25A20 protein (p.Pro181Ser). This variant is present in population databases (rs764854087, gnomAD 0.003%). This variant has not been reported in the literature in individuals affected with SLC25A20-related conditions. Invitae Evidence Modeling of protein sequence and biophysical properties (such as structural, functional, and spatial information, amino acid conservation, physicochemical variation, residue mobility, and thermodynamic stability) has been performed for this missense variant. However, the output from this modeling did not meet the statistical confidence thresholds required to predict the impact of this variant on SLC25A20 protein function. In summary, the available evidence is currently insufficient to determine the role of this variant in disease. Therefore, it has been classified as a Variant of Uncertain Significance.